The following is an entry in ClinVar:

NM_005045.4(RELN):c.718G>C (p.Val240Leu)

Gene: RELN (reelin; minus strand). Cytogenetic location: 7q22.1.
Variant type: single nucleotide variant.
Coding change: c.718G>C on transcript NM_005045.4 (MANE Select); coding-DNA position 718, G replaced by C.
Protein change: p.Val240Leu; replaces valine 240 with leucine.
Molecular consequence: missense variant.
Genome position (GRCh38, 1-based): chr7:103,728,146, C>G on the plus strand (G>C on the coding strand, the complement: RELN is on the minus strand). VCF-style: chr7-103728146-C-G. GRCh37 (hg19) VCF-style: chr7-103368593-C-G.
Other names: c.718G>C, p.Val240Leu (NM_173054.3); short protein forms V240L.
Identifiers: ClinVar variation 4782687 (VCV004782687.1).

ClinVar aggregate classification (germline): Uncertain significance (1 of 4 stars; one submission).

Conditions:
Norman-Roberts syndrome (LIS2). Also called: Lissencephaly 2 (Norman-Roberts type). Identifiers: Orphanet 89844, MedGen C0796089, MONDO:0009760, OMIM 257320.
Familial temporal lobe epilepsy 7. Identifiers: Orphanet 101046, MedGen C4225327, MONDO:0014639, OMIM 616436.

Submission:

Labcorp Genetics (formerly Invitae), Labcorp
Classification: Uncertain significance for Familial temporal lobe epilepsy 7; Norman-Roberts syndrome. Last evaluated: 2025-07-20. Review status: criteria provided, single submitter. Criteria: Invitae Variant Classification Sherloc (09022015). Collection method: clinical testing. Allele origin: germline.
Comment: This sequence change replaces valine, which is neutral and non-polar, with leucine, which is neutral and non-polar, at codon 240 of the RELN protein (p.Val240Leu). This variant is not present in population databases (gnomAD no frequency). This variant has not been reported in the literature in individuals affected with RELN-related conditions. Invitae Evidence Modeling of protein sequence and biophysical properties (such as structural, functional, and spatial information, amino acid conservation, physicochemical variation, residue mobility, and thermodynamic stability) indicates that this missense variant is not expected to disrupt RELN protein function with a negative predictive value of 80%. In summary, the available evidence is currently insufficient to determine the role of this variant in disease. Therefore, it has been classified as a Variant of Uncertain Significance.